The following is an entry in ClinVar:

NM_001363711.2(DUOX2):c.903G>T (p.Trp301Cys)

Gene: DUOX2 (dual oxidase 2; minus strand). Cytogenetic location: 15q21.1.
Variant type: single nucleotide variant.
Coding change: c.903G>T on transcript NM_001363711.2 (MANE Select); coding-DNA position 903, G replaced by T.
Protein change: p.Trp301Cys; replaces tryptophan 301 with cysteine.
Molecular consequence: missense variant.
Genome position (GRCh38, 1-based): chr15:45,110,690, C>A on the plus strand (G>T on the coding strand, the complement: DUOX2 is on the minus strand). VCF-style: chr15-45110690-C-A. GRCh37 (hg19) VCF-style: chr15-45402888-C-A.
Other names: c.903G>T, p.Trp301Cys (NM_014080.5); short protein forms W301C.
Identifiers: ClinVar variation 2137666 (VCV002137666.5), dbSNP rs568196384, ClinGen allele CA7538842.

ClinVar aggregate classification (germline): Uncertain significance. Review status: criteria provided, multiple submitters, no conflicts (2 of 4 stars). 2 submissions from 2 submitters: Uncertain significance (2). Last evaluated 2025-06-24.

Conditions:
Thyroid dyshormonogenesis 6 (TDH6). Also called: HYPOTHYROIDISM, CONGENITAL, DUE TO DYSHORMONOGENESIS, 6; Genetic transient congenital hypothyroidism; THYROID HORMONOGENESIS, GENETIC DEFECT IN, 6. Identifiers: Orphanet 226316, Orphanet 95716, MedGen C1846632, MONDO:0011792, OMIM 607200.

Allele frequency attached by ClinVar (database versions not stated): gnomAD 0.00001; gnomAD exomes 0.00001; TOPMed 0.00002; ExAC 0.00005; 1000 Genomes Project 30x 0.00016; 1000 Genomes Project 0.00020.
gnomAD v4.1: 14 of 1,612,414 alleles (0.00087%); highest among the groups gnomAD compares: East Asian, 0.018%; no homozygotes.

Submissions (2):

Labcorp Genetics (formerly Invitae), Labcorp
Classification: Uncertain significance. Last evaluated: 2025-06-24. Review status: criteria provided, single submitter. Criteria: Invitae Variant Classification Sherloc (09022015). Collection method: clinical testing. Allele origin: germline.
Comment: This sequence change replaces tryptophan, which is neutral and slightly polar, with cysteine, which is neutral and slightly polar, at codon 301 of the DUOX2 protein (p.Trp301Cys). The frequency data for this variant in the population databases is considered unreliable, as metrics indicate poor data quality at this position in the gnomAD database. This missense change has been observed in individual(s) with clinical features of DUOX2-related conditions (PMID: 26349762). ClinVar contains an entry for this variant (Variation ID: 2137666). Invitae Evidence Modeling of protein sequence and biophysical properties (such as structural, functional, and spatial information, amino acid conservation, physicochemical variation, residue mobility, and thermodynamic stability) indicates that this missense variant is expected to disrupt DUOX2 protein function with a positive predictive value of 80%. In summary, the available evidence is currently insufficient to determine the role of this variant in disease. Therefore, it has been classified as a Variant of Uncertain Significance.

Juno Genomics, Hangzhou Juno Genomics, Inc
Classification: Uncertain significance for Thyroid dyshormonogenesis 6. Review status: criteria provided, single submitter. Criteria: ACMG Guidelines, 2015. Collection method: clinical testing. Allele origin: germline.
Comment: Absent from controls (or at extremely low frequency if recessive) in Genome Aggregation Database.;Multiple lines of computational evidence support a deleterious effect on the gene or gene product.;Patient's phenotype or family history is highly specific for a disease with a single genetic etiology.

Literature cited by the submitters: PubMed 26349762 (cited by Labcorp Genetics (formerly Invitae), Labcorp).